The following is an entry in ClinVar:

ClinVar aggregate classification (germline): Benign/Likely benign. Review status: criteria provided, multiple submitters, no conflicts (2 of 4 stars). 3 submissions from 3 submitters: Benign (1); Likely benign (1). 1 of the submissions does not count toward it. Last evaluated 2026-02-01.

Conditions:
CLCN7-related disorder. Also called: CLCN7-related condition.

Allele frequency attached by ClinVar (database versions not stated): gnomAD exomes 0.00018 and 0.00050; ExAC 0.00058; 1000 Genomes Project 0.00140; 1000 Genomes Project 30x 0.00141; gnomAD 0.00190 and 0.00203; TOPMed 0.00230; ESP Exome Variant Server 0.00262.
gnomAD v4.1: 557 of 1,606,556 alleles (0.035%); highest among the groups gnomAD compares: African/African-American, 0.7%; 6 homozygotes.

Submissions (3):

Labcorp Genetics (formerly Invitae), Labcorp
Classification: Benign. Last evaluated: 2026-02-01. Review status: criteria provided, single submitter. Criteria: Invitae Variant Classification Sherloc (09022015). Collection method: clinical testing. Allele origin: germline.

Blueprint Genetics
Classification: Likely benign. Last evaluated: 2024-05-16. Review status: criteria provided, single submitter. Criteria: ACMG Guidelines, 2015. Collection method: clinical testing. Allele origin: germline.

PreventionGenetics, part of Exact Sciences
Classification: Likely benign for CLCN7-related condition. Last evaluated: 2019-09-11. Review status: no assertion criteria provided. Collection method: clinical testing. Allele origin: germline. Not counted in ClinVar's aggregate classification.
Comment: This variant is classified as likely benign based on ACMG/AMP sequence variant interpretation guidelines (Richards et al. 2015 PMID: 25741868, with internal and published modifications).

NM_001287.6(CLCN7):c.485-7G>A

Gene: CLCN7 (Cl-/H+ antiporter 7; minus strand). Cytogenetic location: 16p13.3.
Variant type: single nucleotide variant.
Coding change: c.485-7G>A on transcript NM_001287.6 (MANE Select); 7 bases into the intron before coding-DNA position 485, G replaced by A.
Molecular consequence: intron variant.
Genome position (GRCh38, 1-based): chr16:1,460,534, C>T on the plus strand (G>A on the coding strand, the complement: CLCN7 is on the minus strand). VCF-style: chr16-1460534-C-T. GRCh37 (hg19) VCF-style: chr16-1510535-C-T.
Other names: c.413-7G>A (NM_001114331.3).
Identifiers: ClinVar variation 708972 (VCV000708972.14), dbSNP rs201052552, ClinGen allele CA7810751.